The following is an entry in ClinVar:

ClinVar aggregate classification (germline): Uncertain significance. Review status: criteria provided, multiple submitters, no conflicts (2 of 4 stars). 2 submissions from 2 submitters: Uncertain significance (2). Last evaluated 2025-08-14.

Conditions:
Episodic kinesigenic dyskinesia (EKD). Also called: Paroxysmal kinesigenic dyskinesia. Identifiers: Orphanet 98809, MedGen C1868682, MONDO:0044202.

Allele frequency attached by ClinVar (database versions not stated): gnomAD 0.00001; gnomAD exomes 0.00002.
gnomAD v4.1: 25 of 1,613,230 alleles (0.0015%); highest among the groups gnomAD compares: Non-Finnish European, 0.002%; no homozygotes.

Submissions (2):

Labcorp Genetics (formerly Invitae), Labcorp
Classification: Uncertain significance for Episodic kinesigenic dyskinesia. Last evaluated: 2025-08-14. Review status: criteria provided, single submitter. Criteria: Invitae Variant Classification Sherloc (09022015). Collection method: clinical testing. Allele origin: germline.
Comment: This sequence change replaces glutamic acid, which is acidic and polar, with glycine, which is neutral and non-polar, at codon 16 of the PRRT2 protein (p.Glu16Gly). This variant is not present in population databases (gnomAD no frequency). This variant has not been reported in the literature in individuals affected with PRRT2-related conditions. ClinVar contains an entry for this variant (Variation ID: 1201313). Invitae Evidence Modeling of protein sequence and biophysical properties (such as structural, functional, and spatial information, amino acid conservation, physicochemical variation, residue mobility, and thermodynamic stability) indicates that this missense variant is not expected to disrupt PRRT2 protein function with a negative predictive value of 95%. In summary, the available evidence is currently insufficient to determine the role of this variant in disease. Therefore, it has been classified as a Variant of Uncertain Significance.

GeneDx
Classification: Uncertain significance. Last evaluated: 2020-08-27. Review status: criteria provided, single submitter. Criteria: GeneDx Variant Classification Process June 2021. Collection method: clinical testing. Allele origin: germline. Affected: yes.
Comment: Not observed in large population cohorts (Lek et al., 2016); In silico analysis supports that this missense variant has a deleterious effect on protein structure/function; Has not been previously published as pathogenic or benign to our knowledge

NM_145239.3(PRRT2):c.47A>G (p.Glu16Gly)

Genes: MVP-DT (MVP divergent transcript; minus strand), PRRT2 (proline rich transmembrane protein 2; plus strand). Cytogenetic location: 16p11.2.
Variant type: single nucleotide variant.
Coding change: c.47A>G on transcript NM_145239.3 (MANE Select); coding-DNA position 47, A replaced by G.
Protein change: p.Glu16Gly; replaces glutamic acid 16 with glycine.
Molecular consequence: missense variant.
Genome position (GRCh38, 1-based): chr16:29,813,101, A>G. VCF-style: chr16-29813101-A-G. GRCh37 (hg19) VCF-style: chr16-29824422-A-G.
Other names: c.47A>G, p.Glu16Gly (NM_001256442.2, NM_001256443.2); short protein forms E16G.
Identifiers: ClinVar variation 1201313 (VCV001201313.4), dbSNP rs1900058666, ClinGen allele CA395477061.